The following is an entry in ClinVar:

NM_000138.5(FBN1):c.6147T>C (p.Ser2049=)

Gene: FBN1 (fibrillin 1; minus strand). Cytogenetic location: 15q21.1.
Variant type: single nucleotide variant.
Coding change: c.6147T>C on transcript NM_000138.5 (MANE Select); coding-DNA position 6147, T replaced by C.
Protein change: p.Ser2049=; no amino-acid change (serine 2049 retained).
Molecular consequence: synonymous variant.
Genome position (GRCh38, 1-based): chr15:48,441,737, A>G on the plus strand (T>C on the coding strand, the complement: FBN1 is on the minus strand). VCF-style: chr15-48441737-A-G. GRCh37 (hg19) VCF-style: chr15-48733934-A-G.
Identifiers: ClinVar variation 510951 (VCV000510951.14), dbSNP rs553959381, ClinGen allele CA056289.

ClinVar aggregate classification (germline): Likely benign. Review status: criteria provided, multiple submitters, no conflicts (2 of 4 stars). 3 submissions from 3 submitters: Likely benign (3). Last evaluated 2024-02-24.

Conditions:
Familial thoracic aortic aneurysm and aortic dissection (TAAD). Also called: Thoracic aortic aneurysms and dissections. Identifiers: Orphanet 91387, MedGen C4707243, MONDO:0019625.
Marfan syndrome (MFS). Also called: Marfan syndrome type 1; Marfan syndrome, classic; Marfan's syndrome; FBN1-Related Marfan Syndrome; MARFAN SYNDROME, TYPE I. Identifiers: Orphanet 284963, Orphanet 558, MedGen C0024796, MONDO:0007947, OMIM 154700.

Allele frequency attached by ClinVar (database versions not stated): TOPMed 0.00001; ExAC 0.00003; gnomAD 0.00001.
gnomAD v4.1: 8 of 1,613,526 alleles (0.0005%); highest among the groups gnomAD compares: East Asian, 0.018%; no homozygotes.

Submissions (3):

Labcorp Genetics (formerly Invitae), Labcorp
Classification: Likely benign for Marfan syndrome; Familial thoracic aortic aneurysm and aortic dissection. Last evaluated: 2024-02-24. Review status: criteria provided, single submitter. Criteria: Invitae Variant Classification Sherloc (09022015). Collection method: clinical testing. Allele origin: germline.

Color Diagnostics, LLC DBA Color Health
Classification: Likely benign for Familial thoracic aortic aneurysm and aortic dissection. Last evaluated: 2020-06-22. Review status: criteria provided, single submitter. Criteria: ACMG Guidelines, 2015. Collection method: clinical testing. Allele origin: germline.

GeneDx
Classification: Likely benign. Last evaluated: 2017-07-24. Review status: criteria provided, single submitter. Criteria: GeneDx Variant Classification (06012015). Collection method: clinical testing. Allele origin: germline. Affected: yes.
Comment: This variant is considered likely benign or benign based on one or more of the following criteria: it is a conservative change, it occurs at a poorly conserved position in the protein, it is predicted to be benign by multiple in silico algorithms, and/or has population frequency not consistent with disease.